The following is an entry in ClinVar:

ClinVar aggregate classification (germline): Uncertain significance. Review status: criteria provided, multiple submitters, no conflicts (2 of 4 stars). 2 submissions from 2 submitters: Uncertain significance (2). Last evaluated 2023-03-10.

Allele frequency attached by ClinVar (database versions not stated): ExAC 0.00004; gnomAD exomes 0.00005.
gnomAD v4.1: 15 of 1,613,998 alleles (0.00093%); highest among the groups gnomAD compares: Admixed American, 0.023%; no homozygotes.

Submissions (2):

Labcorp Genetics (formerly Invitae), Labcorp
Classification: Uncertain significance. Last evaluated: 2023-03-10. Review status: criteria provided, single submitter. Criteria: Invitae Variant Classification Sherloc (09022015). Collection method: clinical testing. Allele origin: germline.
Comment: This sequence change replaces arginine, which is basic and polar, with serine, which is neutral and polar, at codon 305 of the SEMA4A protein (p.Arg305Ser). This variant is present in population databases (rs769144891, gnomAD 0.03%). This variant has not been reported in the literature in individuals affected with SEMA4A-related conditions. ClinVar contains an entry for this variant (Variation ID: 1052943). Advanced modeling of protein sequence and biophysical properties (such as structural, functional, and spatial information, amino acid conservation, physicochemical variation, residue mobility, and thermodynamic stability) performed at Invitae indicates that this missense variant is not expected to disrupt SEMA4A protein function. In summary, the available evidence is currently insufficient to determine the role of this variant in disease. Therefore, it has been classified as a Variant of Uncertain Significance.

Blueprint Genetics
Classification: Uncertain significance. Last evaluated: 2022-03-28. Review status: criteria provided, single submitter. Criteria: ACMG Guidelines, 2015. Collection method: clinical testing. Allele origin: germline.

NM_022367.4(SEMA4A):c.913C>A (p.Arg305Ser)

Gene: SEMA4A (semaphorin 4A; plus strand). Cytogenetic location: 1q22.
Variant type: single nucleotide variant.
Coding change: c.913C>A on transcript NM_022367.4 (MANE Select); coding-DNA position 913, C replaced by A.
Protein change: p.Arg305Ser; replaces arginine 305 with serine.
Molecular consequence: missense variant.
Genome position (GRCh38, 1-based): chr1:156,161,448, C>A. VCF-style: chr1-156161448-C-A. GRCh37 (hg19) VCF-style: chr1-156131239-C-A.
Other names: c.913C>A, p.Arg305Ser (NM_001193300.2, NM_001193301.2, NM_001370567.1); c.517C>A, p.Arg173Ser (NM_001193302.2); c.616C>A, p.Arg206Ser (NM_001370568.1); c.406C>A, p.Arg136Ser (NM_001370569.1, NM_001370571.1); short protein forms R136S, R173S, R206S, R305S.
Identifiers: ClinVar variation 1052943 (VCV001052943.10), dbSNP rs769144891, ClinGen allele CA1155215.